The following is an entry in ClinVar:

NM_030973.4(MED25):c.800C>T (p.Pro267Leu)

Gene: MED25 (mediator complex subunit 25; plus strand). Cytogenetic location: 19q13.33.
Variant type: single nucleotide variant.
Coding change: c.800C>T on transcript NM_030973.4 (MANE Select); coding-DNA position 800, C replaced by T.
Protein change: p.Pro267Leu; replaces proline 267 with leucine.
Molecular consequence: missense variant.
Genome position (GRCh38, 1-based): chr19:49,830,199, C>T. VCF-style: chr19-49830199-C-T. GRCh37 (hg19) VCF-style: chr19-50333456-C-T.
Other names: c.800C>T (NM_030973.3); c.800C>T, p.Pro267Leu (NM_001378355.1); short protein forms P267L.
Identifiers: ClinVar variation 1433402 (VCV001433402.8), dbSNP rs757939861, ClinGen allele CA9585011.
Genomic context (GRCh38, chr19:49,830,199, plus strand): 5'-TGCCTCCCGCCGCACCCTCAGGTGCCACTCTCTCAGCAGCCCCCCAGCAGCCTCTGCCCC[C>T]CGTCCCCCCGCAGTACCAGGTATGGATATTTCCGGGAAGGGACATGCTTCTGGGGACTTG-3'
Protein context (NP_112235.2, residues 257-277): LSAAPQQPLP[Pro267Leu]VPPQYQVPGN

ClinVar aggregate classification (germline): Uncertain significance. Review status: criteria provided, multiple submitters, no conflicts (2 of 4 stars). 2 submissions from 2 submitters: Uncertain significance (2). Last evaluated 2022-05-20.

Conditions:
Inborn genetic diseases. Identifiers: MedGen C0950123, MeSH D030342.
Charcot-Marie-Tooth disease type 2. Also called: Charcot-Marie-Tooth type 2. Identifiers: Orphanet 64746, MedGen C0270914, MONDO:0018993.

Allele frequency attached by ClinVar (database versions not stated): ExAC 0.00002; gnomAD exomes 0.00002 and 0.00004.

Submissions (2):

Labcorp Genetics (formerly Invitae), Labcorp
Classification: Uncertain significance for Charcot-Marie-Tooth disease type 2. Last evaluated: 2022-05-20. Review status: criteria provided, single submitter. Criteria: Invitae Variant Classification Sherloc (09022015). Collection method: clinical testing. Allele origin: germline.
Comment: This sequence change replaces proline, which is neutral and non-polar, with leucine, which is neutral and non-polar, at codon 267 of the MED25 protein (p.Pro267Leu). This variant is present in population databases (rs757939861, gnomAD 0.007%). This variant has not been reported in the literature in individuals affected with MED25-related conditions. Algorithms developed to predict the effect of missense changes on protein structure and function are either unavailable or do not agree on the potential impact of this missense change (SIFT: "Deleterious"; PolyPhen-2: "Benign"; Align-GVGD: "Class C0"). In summary, the available evidence is currently insufficient to determine the role of this variant in disease. Therefore, it has been classified as a Variant of Uncertain Significance.

Ambry Genetics
Classification: Uncertain significance for Inborn genetic diseases. Last evaluated: 2021-08-30. Review status: criteria provided, single submitter. Criteria: Ambry Variant Classification Scheme 2023. Collection method: clinical testing. Allele origin: germline.